The following is an entry in ClinVar:

ClinVar aggregate classification (germline): Uncertain significance. Review status: criteria provided, multiple submitters, no conflicts (2 of 4 stars). 2 submissions from 2 submitters: Uncertain significance (2). Last evaluated 2025-09-25.

Conditions:
Hereditary cancer-predisposing syndrome. Also called: Hereditary Cancer Syndrome; Tumor predisposition; Hereditary neoplastic syndrome; Neoplastic Syndromes, Hereditary. Identifiers: Orphanet 140162, MedGen C0027672, MeSH D009386, MONDO:0015356.

Allele frequency attached by ClinVar (database versions not stated): gnomAD exomes below 0.00001; ExAC 0.00001.
gnomAD v4.1: 1 of 1,609,568 alleles (0.000062%); highest among the groups gnomAD compares: Non-Finnish European, 0.000085%; no homozygotes.

Submissions (2):

Ambry Genetics
Classification: Uncertain significance for Hereditary cancer-predisposing syndrome. Last evaluated: 2025-09-25. Review status: criteria provided, single submitter. Criteria: Ambry Variant Classification Scheme 2023. Collection method: clinical testing. Allele origin: germline.
Comment: The p.A1532V variant (also known as c.4595C>T), located in coding exon 36 of the POLE gene, results from a C to T substitution at nucleotide position 4595. The alanine at codon 1532 is replaced by valine, an amino acid with similar properties. This amino acid position is conserved. In addition, this alteration is predicted to be tolerated by in silico analysis. Based on the available evidence, the clinical significance of this variant remains unclear.

Labcorp Genetics (formerly Invitae), Labcorp
Classification: Uncertain significance. Last evaluated: 2020-08-03. Review status: criteria provided, single submitter. Criteria: Invitae Variant Classification Sherloc (09022015). Collection method: clinical testing. Allele origin: germline.
Comment: This variant has not been reported in the literature in individuals with POLE-related conditions. This variant is present in population databases (rs768647965, ExAC 0.002%). This sequence change replaces alanine with valine at codon 1532 of the POLE protein (p.Ala1532Val). The alanine residue is moderately conserved and there is a small physicochemical difference between alanine and valine. Algorithms developed to predict the effect of missense changes on protein structure and function output the following: SIFT: "Deleterious"; PolyPhen-2: "Benign"; Align-GVGD: "Class C0". The valine amino acid residue is found in multiple mammalian species, suggesting that this missense change does not adversely affect protein function. These predictions have not been confirmed by published functional studies and their clinical significance is uncertain. In summary, the available evidence is currently insufficient to determine the role of this variant in disease. Therefore, it has been classified as a Variant of Uncertain Significance.

NM_006231.4(POLE):c.4595C>T (p.Ala1532Val)

Gene: POLE (DNA polymerase epsilon, catalytic subunit; minus strand). Cytogenetic location: 12q24.33.
Variant type: single nucleotide variant.
Coding change: c.4595C>T on transcript NM_006231.4 (MANE Select); coding-DNA position 4595, C replaced by T.
Protein change: p.Ala1532Val; replaces alanine 1532 with valine.
Molecular consequence: missense variant.
Genome position (GRCh38, 1-based): chr12:132,642,953, G>A on the plus strand (C>T on the coding strand, the complement: POLE is on the minus strand). VCF-style: chr12-132642953-G-A. GRCh37 (hg19) VCF-style: chr12-133219539-G-A.
Other names: c.4595C>T (NM_006231.2); short protein forms A1532V.
Identifiers: ClinVar variation 1042853 (VCV001042853.9), dbSNP rs768647965, ClinGen allele CA6892766.